The following is an entry in ClinVar:

ClinVar aggregate classification (germline): Likely benign (0 of 4 stars; one submission).

Conditions:
TRIP12-related disorder. Also called: TRIP12-related condition.

Allele frequency attached by ClinVar (database versions not stated): gnomAD exomes 0.00011; gnomAD 0.00013; TOPMed 0.00013; ExAC 0.00023; 1000 Genomes Project 0.00040; 1000 Genomes Project 30x 0.00047.
gnomAD v4.1: 177 of 1,614,194 alleles (0.011%); highest among the groups gnomAD compares: East Asian, 0.15%; 2 homozygotes.

Submission:

PreventionGenetics, part of Exact Sciences
Classification: Likely benign for TRIP12-related condition. Last evaluated: 2022-03-03. Review status: no assertion criteria provided. Collection method: clinical testing. Allele origin: germline.
Comment: This variant is classified as likely benign based on ACMG/AMP sequence variant interpretation guidelines (Richards et al. 2015 PMID: 25741868, with internal and published modifications).

NM_001348323.3(TRIP12):c.718T>G (p.Ser240Ala)

Gene: TRIP12 (thyroid hormone receptor interactor 12; minus strand). Cytogenetic location: 2q36.3.
Variant type: single nucleotide variant.
Coding change: c.718T>G on transcript NM_001348323.3 (MANE Select); coding-DNA position 718, T replaced by G.
Protein change: p.Ser240Ala; replaces serine 240 with alanine.
Molecular consequence: missense variant. On other transcripts: intron variant (1).
Genome position (GRCh38, 1-based): chr2:229,859,081, A>C on the plus strand (T>G on the coding strand, the complement: TRIP12 is on the minus strand). VCF-style: chr2-229859081-A-C. GRCh37 (hg19) VCF-style: chr2-230723797-A-C.
Other names: c.718T>G, p.Ser240Ala (NM_001284214.2, NM_001348315.2, NM_001348319.1 and 15 more transcripts); c.592T>G, p.Ser198Ala (NM_001284215.2, NM_001348316.2, NM_001348317.1 and 3 more transcripts); c.98+20901T>G (NM_001284216.2); short protein forms S198A, S240A.
Identifiers: ClinVar variation 3051994 (VCV003051994.2), dbSNP rs200742790, ClinGen allele CA2153467.